The following is an entry in ClinVar:

ClinVar aggregate classification (germline): Uncertain significance. Review status: criteria provided, multiple submitters, no conflicts (2 of 4 stars). 3 submissions from 3 submitters: Uncertain significance (3). Last evaluated 2026-01-20.

Conditions:
Cardiovascular phenotype. Identifiers: MedGen CN230736.
Hereditary cancer-predisposing syndrome. Also called: Hereditary Cancer Syndrome; Hereditary neoplastic syndrome; Tumor predisposition; Neoplastic Syndromes, Hereditary. Identifiers: Orphanet 140162, MedGen C0027672, MeSH D009386, MONDO:0015356.
Neurofibromatosis, type 1 (NF1). Also called: VON RECKLINGHAUSEN DISEASE; NEUROFIBROMATOSIS, TYPE I, SOMATIC; Peripheral type neurofibromatosis; Neurofibromatosis, type I. Identifiers: Orphanet 636, MedGen C0027831, MONDO:0018975, OMIM 162200. Disease mechanism: loss of function.

gnomAD v4.1: 5 of 1,614,028 alleles (0.00031%); highest among the groups gnomAD compares: Non-Finnish European, 0.00042%; no homozygotes.

Submissions (3):

Labcorp Genetics (formerly Invitae), Labcorp
Classification: Uncertain significance for Neurofibromatosis, type 1. Last evaluated: 2026-01-20. Review status: criteria provided, single submitter. Criteria: Invitae Variant Classification Sherloc (09022015). Collection method: clinical testing. Allele origin: germline.
Comment: This sequence change replaces arginine, which is basic and polar, with histidine, which is basic and polar, at codon 2158 of the NF1 protein (p.Arg2158His). This variant is not present in population databases (gnomAD no frequency). This variant has not been reported in the literature in individuals affected with NF1-related conditions. ClinVar contains an entry for this variant (Variation ID: 457795). Invitae Evidence Modeling of protein sequence and biophysical properties (such as structural, functional, and spatial information, amino acid conservation, physicochemical variation, residue mobility, and thermodynamic stability) indicates that this missense variant is expected to disrupt NF1 protein function with a positive predictive value of 95%. In summary, the available evidence is currently insufficient to determine the role of this variant in disease. Therefore, it has been classified as a Variant of Uncertain Significance.

Ambry Genetics
Classification: Uncertain significance for Cardiovascular phenotype; Hereditary cancer-predisposing syndrome. Last evaluated: 2024-09-01. Review status: criteria provided, single submitter. Criteria: Ambry Variant Classification Scheme 2023. Collection method: clinical testing. Allele origin: germline.
Comment: The p.R2158H variant (also known as c.6473G>A), located in coding exon 42 of the NF1 gene, results from a G to A substitution at nucleotide position 6473. The arginine at codon 2158 is replaced by histidine, an amino acid with highly similar properties. This amino acid position is highly conserved in available vertebrate species. In addition, the in silico prediction for this alteration is inconclusive. Since supporting evidence is limited at this time, the clinical significance of this alteration remains unclear.

Genome-Nilou Lab
Classification: Uncertain significance for Neurofibromatosis, type 1. Last evaluated: 2022-03-15. Review status: criteria provided, single submitter. Criteria: ACMG Guidelines, 2015. Collection method: clinical testing. Allele origin: germline. Affected: no.

NM_001042492.3(NF1):c.6536G>A (p.Arg2179His)

Gene: NF1 (neurofibromin 1; plus strand). Cytogenetic location: 17q11.2.
Variant type: single nucleotide variant.
Coding change: c.6536G>A on transcript NM_001042492.3 (MANE Select); coding-DNA position 6536, G replaced by A.
Protein change: p.Arg2179His; replaces arginine 2179 with histidine.
Molecular consequence: missense variant.
Genome position (GRCh38, 1-based): chr17:31,337,476, G>A. VCF-style: chr17-31337476-G-A. GRCh37 (hg19) VCF-style: chr17-29664494-G-A.
Other names: c.6473G>A, p.Arg2158His (NM_000267.4); short protein forms R2158H, R2179H.
Identifiers: ClinVar variation 457795 (VCV000457795.11), dbSNP rs772639479, ClinGen allele CA399013228.
Genomic context (GRCh38, chr17:31,337,476, plus strand): 5'-CCAAATTTTACTTGCTGTTTGGCATTAGCAAAGTCAAGTCAGCTGCTGTCATTGCCTTCC[G>A]TTCCAGTTACCGGGACAGGTCATTCTCTCCTGGCTCCTATGAGAGAGAGACTTTTGCTTT-3'
Protein context (NP_001035957.1, residues 2169-2189): KVKSAAVIAF[Arg2179His]SSYRDRSFSP